The following is an entry in ClinVar:

NC_000002.11:g.(?_236617803)_(237032766_?)dup

Gene: AGAP1 (ArfGAP with GTPase domain, ankyrin repeat and PH domain 1; plus strand). Cytogenetic location: 2q37.2.
Variant type: Duplication.
Identifiers: ClinVar variation 3247550 (VCV003247550.1).

ClinVar aggregate classification (germline): Uncertain significance (1 of 4 stars; one submission).

Submission:

Labcorp Genetics (formerly Invitae), Labcorp
Classification: Uncertain significance. Last evaluated: 2023-06-09. Review status: criteria provided, single submitter. Criteria: Invitae Variant Classification Sherloc (09022015). Collection method: clinical testing. Allele origin: unknown.
Comment: In summary, the available evidence is currently insufficient to determine the role of this variant in disease. Therefore, it has been classified as a Variant of Uncertain Significance. Experimental studies and prediction algorithms are not available or were not evaluated, and the functional significance of this variant is currently unknown. This variant has not been reported in the literature in individuals affected with AGAP1-related conditions. This variant results in a copy number gain of the genomic region encompassing exon(s) 2-17 of the AGAP1 gene. This region includes the termination codon of the gene. This copy number gain extends beyond the assayed region for this gene and therefore may encompass additional genes. As the precise location of this event is unknown, it may be in tandem or it may be located elsewhere in the genome.